The following is an entry in ClinVar:

ClinVar aggregate classification (germline): Pathogenic. Review status: criteria provided, multiple submitters, no conflicts (2 of 4 stars). 2 submissions from 2 submitters: Pathogenic (2). Last evaluated 2025-05-07.

Conditions:
KCNQ2-Related Disorders. Also called: KCNQ2-related condition; KCNQ2-related disorder. Identifiers: MedGen CN169299.

Submissions (2):

PreventionGenetics, part of Exact Sciences
Classification: Pathogenic for KCNQ2-related condition. Last evaluated: 2025-05-07. Review status: criteria provided, single submitter. Criteria: ACMG Guidelines, 2015. Collection method: clinical testing. Allele origin: germline.
Comment: The KCNQ2 c.1508C>G variant is predicted to result in premature protein termination (p.Ser503*). This variant was reported in an individual with KCNQ2-related developmental and epileptic encephalopathy 7 (Table S4, Lindy et al. 2018. PubMed ID: 29655203). This variant has not been reported in a large population database (gnomAD), indicating this variant is rare. Nonsense variants in KCNQ2 are expected to be pathogenic. This variant is interpreted as pathogenic.

GeneDx
Classification: Pathogenic. Last evaluated: 2015-09-28. Review status: criteria provided, single submitter. Criteria: GeneDx Variant Classification (06012015). Collection method: clinical testing. Allele origin: germline. Affected: yes.
Comment: The S503X nonsense variant in the KCNQ2 gene is predicted to cause loss of normal protein function either through protein truncation or nonsense-mediated mRNA decay. It was not observed in approximately 6,500 individuals of European and African American ancestry in the NHLBI Exome Sequencing Project, indicating it is not a common benign variant in these populations. Although this variant has not been reported previously to our knowledge, we interpret it as pathogenic.

NM_172107.4(KCNQ2):c.1508C>G (p.Ser503Ter)

Gene: KCNQ2 (potassium voltage-gated channel subfamily Q member 2; minus strand). Cytogenetic location: 20q13.33.
Variant type: single nucleotide variant.
Coding change: c.1508C>G on transcript NM_172107.4 (MANE Select); coding-DNA position 1508, C replaced by G.
Protein change: p.Ser503Ter; replaces serine 503 with a stop codon.
Molecular consequence: nonsense.
Genome position (GRCh38, 1-based): chr20:63,414,920, G>C on the plus strand (C>G on the coding strand, the complement: KCNQ2 is on the minus strand). VCF-style: chr20-63414920-G-C. GRCh37 (hg19) VCF-style: chr20-62046273-G-C.
Other names: c.1424C>G, p.Ser475Ter (NM_004518.6); c.1454C>G, p.Ser485Ter (NM_172106.3); c.1418C>G, p.Ser473Ter (NM_172108.5); c.1508C>G (NM_172107.3); short protein forms S503*, S485*, S473*, S475*.
Identifiers: ClinVar variation 430015 (VCV000430015.3), dbSNP rs1131691734, ClinGen allele CA409646133.